The following is an entry in ClinVar:

NM_001010874.5(TECRL):c.38A>G (p.Lys13Arg)

Gene: TECRL (trans-2,3-enoyl-CoA reductase like; minus strand). Cytogenetic location: 4q13.1.
Variant type: single nucleotide variant.
Coding change: c.38A>G on transcript NM_001010874.5 (MANE Select); coding-DNA position 38, A replaced by G.
Protein change: p.Lys13Arg; replaces lysine 13 with arginine.
Molecular consequence: missense variant.
Genome position (GRCh38, 1-based): chr4:64,409,314, T>C on the plus strand (A>G on the coding strand, the complement: TECRL is on the minus strand). VCF-style: chr4-64409314-T-C. GRCh37 (hg19) VCF-style: chr4-65275032-T-C.
Other names: c.38A>G, p.Lys13Arg (NM_001363796.1); short protein forms K13R.
Identifiers: ClinVar variation 3454633 (VCV003454633.1).

ClinVar aggregate classification (germline): Uncertain significance (1 of 4 stars; one submission).

Conditions:
Cardiovascular phenotype. Identifiers: MedGen CN230736.

Submission:

Ambry Genetics
Classification: Uncertain significance for Cardiovascular phenotype. Last evaluated: 2024-08-28. Review status: criteria provided, single submitter. Criteria: Ambry Variant Classification Scheme 2023. Collection method: clinical testing. Allele origin: germline.
Comment: The p.K13R variant (also known as c.38A>G), located in coding exon 1 of the TECRL gene, results from an A to G substitution at nucleotide position 38. The lysine at codon 13 is replaced by arginine, an amino acid with highly similar properties. This amino acid position is conserved. In addition, this alteration is predicted to be tolerated by in silico analysis. Based on the available evidence, the clinical significance of this variant remains unclear.